The following is an entry in ClinVar:

NM_032217.5(ANKRD17):c.5810C>A (p.Ala1937Asp)

Gene: ANKRD17 (ankyrin repeat domain 17; minus strand). Cytogenetic location: 4q13.3.
Variant type: single nucleotide variant.
Coding change: c.5810C>A on transcript NM_032217.5 (MANE Select); coding-DNA position 5810, C replaced by A.
Protein change: p.Ala1937Asp; replaces alanine 1937 with aspartic acid.
Molecular consequence: missense variant.
Genome position (GRCh38, 1-based): chr4:73,091,818, G>T on the plus strand (C>A on the coding strand, the complement: ANKRD17 is on the minus strand). VCF-style: chr4-73091818-G-T. GRCh37 (hg19) VCF-style: chr4-73957535-G-T.
Other names: c.5471C>A, p.Ala1824Asp (NM_001286771.3); c.5807C>A, p.Ala1936Asp (NM_015574.2); c.5057C>A, p.Ala1686Asp (NM_198889.3); short protein forms A1686D, A1824D, A1936D, A1937D.
Identifiers: ClinVar variation 5020957 (VCV005020957.1).

ClinVar aggregate classification (germline): Uncertain significance (1 of 4 stars; one submission).

Submission:

Dasa
Classification: Uncertain significance. Last evaluated: 2025-05-18. Review status: criteria provided, single submitter. Criteria: DASA Assertion Criteria. Collection method: clinical testing. Allele origin: germline.
Comment: NM_032217.5(ANKRD17):c.5810C>A (p.Ala1937Asp) is a missense variant that results in the substitution of alanine with aspartic acid. This variant is absent from population databases. Computational prediction algorithms are consistent with a benign effect. The currently available literature and clinical evidence are not sufficient to establish a definitive association between this variant and the reported condition. Therefore, this variant is classified as a variant of uncertain significance.